The following is an entry in ClinVar:

NM_000548.5(TSC2):c.5023C>T (p.Pro1675Ser)

Gene: TSC2 (TSC complex subunit 2; plus strand). Cytogenetic location: 16p13.3.
Variant type: single nucleotide variant.
Coding change: c.5023C>T on transcript NM_000548.5 (MANE Select); coding-DNA position 5023, C replaced by T.
Protein change: p.Pro1675Ser; replaces proline 1675 with serine.
Molecular consequence: missense variant. On other transcripts: non-coding transcript variant (5).
Genome position (GRCh38, 1-based): chr16:2,087,896, C>T. VCF-style: chr16-2087896-C-T. GRCh37 (hg19) VCF-style: chr16-2137897-C-T.
Other names: c.4894C>T, p.Pro1632Ser (NM_001370405.1, NM_021055.3); c.5020C>T, p.Pro1674Ser (NM_001406663.1); c.4951C>T, p.Pro1651Ser (NM_001406664.1); c.4945C>T, p.Pro1649Ser (NM_001406665.1); c.4915C>T, p.Pro1639Ser (NM_001406667.1); c.4912C>T, p.Pro1638Ser (NM_001406668.1); c.4843C>T, p.Pro1615Ser (NM_001406670.1); c.4813C>T, p.Pro1605Ser (NM_001406671.1); and 26 more; short protein forms P1074S, P1160S, P1161S, P1183S, P1184S, P1204S, P1408S, P1409S.
Identifiers: ClinVar variation 4526490 (VCV004526490.1).

ClinVar aggregate classification (germline): Likely pathogenic (1 of 4 stars; one submission).

Conditions:
Tuberous sclerosis 2 (TSC2). Identifiers: Orphanet 805, MedGen C1860707, MONDO:0013199, OMIM 613254.

Submission:

MVZ Medizinische Genetik Mainz
Classification: Likely pathogenic for Tuberous sclerosis 2. Last evaluated: 2025-09-25. Review status: criteria provided, single submitter. Criteria: UK Practice Guidelines For Variant Classification V4 01 2020. Collection method: clinical testing. Allele origin: germline. Inheritance: Autosomal dominant inheritance. Affected: yes. Observed: 1 variant allele.
Comment: ACMG Criteria: PP3_STR,PM5,PM2_SUP